The following is an entry in ClinVar:

NM_021969.3(NR0B2):c.538C>T (p.Pro180Ser)

Genes: NR0B2 (nuclear receptor subfamily 0 group B member 2; minus strand), NUDC (nuclear distribution C, dynein complex regulator; plus strand). Cytogenetic location: 1p36.11.
Variant type: single nucleotide variant.
Coding change: c.538C>T on transcript NM_021969.3 (MANE Select); coding-DNA position 538, C replaced by T.
Protein change: p.Pro180Ser; replaces proline 180 with serine.
Molecular consequence: missense variant.
Genome position (GRCh38, 1-based): chr1:26,912,081, G>A on the plus strand (C>T on the coding strand, the complement: NR0B2 is on the minus strand). VCF-style: chr1-26912081-G-A. GRCh37 (hg19) VCF-style: chr1-27238572-G-A.
Other names: short protein forms P180S.
Identifiers: ClinVar variation 4994257 (VCV004994257.1).

ClinVar aggregate classification (germline): Uncertain significance (1 of 4 stars; one submission).

Conditions:
NR0B2-related disorder. Also called: NR0B2-related condition.

Submission:

PreventionGenetics, part of Exact Sciences
Classification: Uncertain significance for NR0B2-related condition. Last evaluated: 2026-05-26. Review status: criteria provided, single submitter. Criteria: ACMG Guidelines, 2015. Collection method: clinical testing. Allele origin: germline.
Comment: The NR0B2 c.538C>T variant is predicted to result in the amino acid substitution p.Pro180Ser. To our knowledge, this variant has not been reported in the literature or in a large population database (gnomAD), indicating this variant is rare. At this time, the clinical significance of this variant is uncertain due to the absence of conclusive functional and genetic evidence.